The following is an entry in ClinVar:

ClinVar aggregate classification (germline): Uncertain significance (1 of 4 stars; one submission).

Conditions:
Nuclear pulverulent cataract (CTRCT2). Identifiers: MedGen C1852438, HP:0010698.

Submission:

Labcorp Genetics (formerly Invitae), Labcorp
Classification: Uncertain significance for Nuclear pulverulent cataract. Last evaluated: 2025-03-19. Review status: criteria provided, single submitter. Criteria: Invitae Variant Classification Sherloc (09022015). Collection method: clinical testing. Allele origin: germline.
Comment: This sequence change replaces arginine, which is basic and polar, with glutamine, which is neutral and polar, at codon 37 of the CRYGC protein (p.Arg37Gln). This variant is present in population databases (rs140859599, gnomAD 0.06%), and has an allele count higher than expected for a pathogenic variant. This missense change has been observed in individual(s) with clinical features of CRYGC-related conditions (PMID: 26310487). An algorithm developed to predict the effect of missense changes on protein structure and function (PolyPhen-2) suggests that this variant is likely to be disruptive. In summary, the available evidence is currently insufficient to determine the role of this variant in disease. Therefore, it has been classified as a Variant of Uncertain Significance.

Literature cited by the submitters: PubMed 26310487.

NM_020989.4(CRYGC):c.110G>A (p.Arg37Gln)

Genes: CRYGC (crystallin gamma C; minus strand), LOC100507443 (uncharacterized LOC100507443; plus strand). Cytogenetic location: 2q33.3.
Variant type: single nucleotide variant.
Coding change: c.110G>A on transcript NM_020989.4 (MANE Select); coding-DNA position 110, G replaced by A.
Protein change: p.Arg37Gln; replaces arginine 37 with glutamine.
Molecular consequence: missense variant.
Genome position (GRCh38, 1-based): chr2:208,129,583, C>T on the plus strand (G>A on the coding strand, the complement: CRYGC is on the minus strand). VCF-style: chr2-208129583-C-T. GRCh37 (hg19) VCF-style: chr2-208994307-C-T.
Other names: short protein forms R37Q.
Identifiers: ClinVar variation 4806835 (VCV004806835.1).